The following is an entry in ClinVar:

ClinVar aggregate classification (germline): Uncertain significance (0 of 4 stars; one submission).

Conditions:
SMC1A-related disorder. Also called: SMC1A-related condition.

Submission:

PreventionGenetics, part of Exact Sciences
Classification: Uncertain significance for SMC1A-related condition. Last evaluated: 2024-05-21. Review status: no assertion criteria provided. Collection method: clinical testing. Allele origin: germline.
Comment: The SMC1A c.852C>G variant is predicted to result in the amino acid substitution p.Ile284Met. To our knowledge, this variant has not been reported in the literature or in a large population database, indicating this variant is rare. At this time, the clinical significance of this variant is uncertain due to the absence of conclusive functional and genetic evidence.

NM_006306.4(SMC1A):c.852C>G (p.Ile284Met)

Gene: SMC1A (structural maintenance of chromosomes 1A; minus strand). Cytogenetic location: Xp11.22.
Variant type: single nucleotide variant.
Coding change: c.852C>G on transcript NM_006306.4 (MANE Select); coding-DNA position 852, C replaced by G.
Protein change: p.Ile284Met; replaces isoleucine 284 with methionine.
Molecular consequence: missense variant.
Genome position (GRCh38, 1-based): chrX:53,412,902, G>C on the plus strand (C>G on the coding strand, the complement: SMC1A is on the minus strand). VCF-style: chrX-53412902-G-C. GRCh37 (hg19) VCF-style: chrX-53439852-G-C.
Other names: c.786C>G, p.Ile262Met (NM_001281463.1); short protein forms I262M, I284M.
Identifiers: ClinVar variation 3344484 (VCV003344484.1).
Genomic context (GRCh38, chrX:53,412,902, plus strand): 5'-AATAAACAGCACGGCCTCTTGGTTTCCCACAAGTTGCAGGCCCAGGTCTGCCTCTTACTT[G>C]ATCTCCTTCTCAATCTGCTGCTGCTCCCGCATCATTTTGCCCAGCTCCTTCTTCTTCTCC-3'
Protein context (NP_006297.2, residues 274-294): MREQQQIEKE[Ile284Met]KEKDSELNQK